The following is an entry in ClinVar:

NM_013275.6(ANKRD11):c.7571A>G (p.Glu2524Gly)

Gene: ANKRD11 (ankyrin repeat domain 11; minus strand). Cytogenetic location: 16q24.3.
Variant type: single nucleotide variant.
Coding change: c.7571A>G on transcript NM_013275.6 (MANE Select); coding-DNA position 7571, A replaced by G.
Protein change: p.Glu2524Gly; replaces glutamic acid 2524 with glycine.
Molecular consequence: missense variant.
Genome position (GRCh38, 1-based): chr16:89,274,956, T>C on the plus strand (A>G on the coding strand, the complement: ANKRD11 is on the minus strand). VCF-style: chr16-89274956-T-C. GRCh37 (hg19) VCF-style: chr16-89341364-T-C.
Other names: c.7571A>G, p.Glu2524Gly (NM_001256182.2, NM_001256183.2); short protein forms E2524G.
Identifiers: ClinVar variation 812187 (VCV000812187.1), dbSNP rs2033513257, ClinGen allele CA397147760.

ClinVar aggregate classification (germline): Pathogenic (1 of 4 stars; one submission).

Conditions:
KBG syndrome (KBGS). Also called: ANKRD11-Related KBG Syndrome. Identifiers: Orphanet 2332, MedGen C0220687, MONDO:0007846, OMIM 148050.

Submission:

Cavalleri Lab, Royal College of Surgeons in Ireland
Classification: Pathogenic for KBG syndrome. Last evaluated: 2019-12-11. Review status: criteria provided, single submitter. Criteria: ACMG Guidelines, 2015. Collection method: research. Allele origin: de novo. Inheritance: Sporadic. Affected: yes.
Comment: ACMG evidence PS2, PM1, PM2, PP2, PP3

Literature cited by the submitters: PubMed 32238909.